The following is an entry in ClinVar:

ClinVar aggregate classification (germline): Pathogenic (1 of 4 stars; one submission).

Submission:

Labcorp Genetics (formerly Invitae), Labcorp
Classification: Pathogenic. Last evaluated: 2024-01-12. Review status: criteria provided, single submitter. Criteria: Invitae Variant Classification Sherloc (09022015). Collection method: clinical testing. Allele origin: germline.
Comment: This sequence change creates a premature translational stop signal (p.Val249Ilefs*14) in the LAMC2 gene. It is expected to result in an absent or disrupted protein product. Loss-of-function variants in LAMC2 are known to be pathogenic (PMID: 11907499, 16473856). This variant is not present in population databases (gnomAD no frequency). This premature translational stop signal has been observed in individual(s) with junctional epidermolysis bullosa (PMID: 16473856). This variant is also known as 744del4. ClinVar contains an entry for this variant (Variation ID: 1439758). For these reasons, this variant has been classified as Pathogenic.

Literature cited by the submitters: PubMed 11907499; PubMed 16473856.

NM_005562.3(LAMC2):c.745_748del (p.Val249fs)

Gene: LAMC2 (laminin subunit gamma 2; plus strand). Cytogenetic location: 1q25.3.
Variant type: Deletion.
Coding change: c.745_748del on transcript NM_005562.3 (MANE Select); coding-DNA positions 745 to 748, 4 bases deleted (GTCT; older notation c.745_748delGTCT).
Protein change: p.Val249fs; shifts the reading frame from valine 249.
Molecular consequence: frameshift variant.
Genome position (GRCh38, 1-based): chr1:183,222,193-183,222,196, GTCT deleted; deleting any 4 consecutive bases within chr1:183,222,191-183,222,196 gives the same sequence; the c. name uses the placement nearest the transcript's 3' end. VCF-style (leftmost placement, unchanged base first): chr1-183222190-CCTGT-C. GRCh37 (hg19) VCF-style: chr1-183191325-CCTGT-C.
Other names: c.745_748del, p.Val249fs (NM_018891.3); short protein forms V249fs.
Identifiers: ClinVar variation 1439758 (VCV001439758.6), dbSNP rs2102222423, ClinGen allele CA2573131308.